The following is an entry in ClinVar:

ClinVar aggregate classification (germline): Uncertain significance. Review status: criteria provided, multiple submitters, no conflicts (2 of 4 stars). 2 submissions from 2 submitters: Uncertain significance (2). Last evaluated 2026-03-27.

Conditions:
Congenital generalized lipodystrophy type 2 (CGL2). Also called: BERARDINELLI SYNDROME; BRUNZELL SYNDROME, BSCL2-RELATED; Berardinelli-Seip Congenital Lipodystrophy Type 2; SEIP SYNDROME. Identifiers: Orphanet 528, Orphanet 696289, MedGen C1720863, MONDO:0010020, OMIM 269700.
Neuronopathy, distal hereditary motor, type 5C. Also called: SPINAL MUSCULAR ATROPHY, DISTAL, HARDING TYPE VC; NEURONOPATHY, DISTAL HEREDITARY MOTOR, HARDING TYPE VC; NEUROPATHY, DISTAL HEREDITARY MOTOR, HARDING TYPE VC; NEURONOPATHY, DISTAL HEREDITARY MOTOR, AUTOSOMAL DOMINANT 13; DHMN VC. Identifiers: MedGen C5436838, MONDO:0030860, OMIM 619112.
Hereditary spastic paraplegia 17. Also called: SPASTIC PARAPLEGIA WITH AMYOTROPHY OF HANDS AND FEET; Silver spastic paraplegia syndrome; Spastic Paraplegia 17; Autosomal dominant spastic paraplegia type 17; Silver Syndrome. Identifiers: Orphanet 100998, MedGen C2931276, MONDO:0010043, OMIM 270685.
Severe neurodegenerative syndrome with lipodystrophy. Also called: ENCEPHALOPATHY, PROGRESSIVE, WITH LIPODYSTROPHY; Encephalopathy, progressive, with or without lipodystrophy. Identifiers: Orphanet 363400, MedGen C4014700, MONDO:0014402, OMIM 615924.

Allele frequency attached by ClinVar (database versions not stated): gnomAD 0.00002 and 0.00003; gnomAD exomes 0.00001; TOPMed 0.00008.
gnomAD v4.1: 8 of 1,554,518 alleles (0.00051%); highest among the groups gnomAD compares: Admixed American, 0.0039%; no homozygotes.

Submissions (2):

GeneDx
Classification: Uncertain significance. Last evaluated: 2026-03-27. Review status: criteria provided, single submitter. Criteria: GeneDx Variant Classification Process June 2021. Collection method: clinical testing. Allele origin: germline. Affected: yes.
Comment: Not observed at significant frequency in large population cohorts (gnomAD); In silico analysis supports that this missense variant has a deleterious effect on protein structure/function; Reported using an alternate transcript of the gene; This variant is associated with the following publications: (PMID: 34426522, 27144933, 36946378)

Fulgent Genetics
Classification: Uncertain significance for Congenital generalized lipodystrophy type 2; Hereditary spastic paraplegia 17; Severe neurodegenerative syndrome with lipodystrophy; Neuronopathy, distal hereditary motor, type 5C. Last evaluated: 2022-05-29. Review status: criteria provided, single submitter. Criteria: ACMG Guidelines, 2015. Collection method: clinical testing. Allele origin: unknown.

NM_001122955.4(BSCL2):c.62A>T (p.Gln21Leu)

Genes: BSCL2 (BSCL2 lipid droplet biogenesis associated, seipin; minus strand), GNG3 (G protein subunit gamma 3; plus strand), HNRNPUL2-BSCL2 (HNRNPUL2-BSCL2 readthrough (NMD candidate); minus strand). Cytogenetic location: 11q12.3.
Variant type: single nucleotide variant.
Coding change: c.62A>T on transcript NM_001122955.4 (MANE Select); coding-DNA position 62, A replaced by T.
Protein change: p.Gln21Leu; replaces glutamine 21 with leucine.
Molecular consequence: missense variant. On other transcripts: non-coding transcript variant (1), genic upstream transcript variant (1).
Genome position (GRCh38, 1-based): chr11:62,707,134, T>A on the plus strand (A>T on the coding strand, the complement: BSCL2 is on the minus strand). VCF-style: chr11-62707134-T-A. GRCh37 (hg19) VCF-style: chr11-62474606-T-A.
Other names: c.62A>T, p.Gln21Leu (NM_001386027.1, NM_001386028.1); c.-1037A>T (NM_032667.6); c.62A>T (NM_001122955.3); short protein forms Q21L.
Identifiers: ClinVar variation 429873 (VCV000429873.6), dbSNP rs1006065298, ClinGen allele CA223643387.